The following is an entry in ClinVar:

ClinVar aggregate classification (germline): Uncertain significance (1 of 4 stars; one submission).

gnomAD v4.1: 1 of 1,614,198 alleles (0.000062%); no homozygotes.

Submission:

Labcorp Genetics (formerly Invitae), Labcorp
Classification: Uncertain significance. Last evaluated: 2025-05-25. Review status: criteria provided, single submitter. Criteria: Invitae Variant Classification Sherloc (09022015). Collection method: clinical testing. Allele origin: germline.
Comment: This sequence change replaces glutamic acid, which is acidic and polar, with lysine, which is basic and polar, at codon 71 of the CSF2RB protein (p.Glu71Lys). This variant is not present in population databases (gnomAD no frequency). This variant has not been reported in the literature in individuals affected with CSF2RB-related conditions. ClinVar contains an entry for this variant (Variation ID: 2808512). Invitae Evidence Modeling of protein sequence and biophysical properties (such as structural, functional, and spatial information, amino acid conservation, physicochemical variation, residue mobility, and thermodynamic stability) indicates that this missense variant is not expected to disrupt CSF2RB protein function with a negative predictive value of 80%. In summary, the available evidence is currently insufficient to determine the role of this variant in disease. Therefore, it has been classified as a Variant of Uncertain Significance.

NM_000395.3(CSF2RB):c.211G>A (p.Glu71Lys)

Genes: CSF2RB (colony stimulating factor 2 receptor subunit beta; plus strand), LOC126863140 (BRD4-independent group 4 enhancer GRCh37_chr22:37321546-37322745; plus strand). Cytogenetic location: 22q12.3.
Variant type: single nucleotide variant.
Coding change: c.211G>A on transcript NM_000395.3 (MANE Select); coding-DNA position 211, G replaced by A.
Protein change: p.Glu71Lys; replaces glutamic acid 71 with lysine.
Molecular consequence: missense variant.
Genome position (GRCh38, 1-based): chr22:36,925,997, G>A. VCF-style: chr22-36925997-G-A. GRCh37 (hg19) VCF-style: chr22-37322039-G-A.
Other names: c.211G>A, p.Glu71Lys (NM_001410827.1); short protein forms E71K.
Identifiers: ClinVar variation 2808512 (VCV002808512.3), dbSNP rs2517982105, ClinGen allele CA411402660.